The following is an entry in ClinVar:

NM_000100.4(CSTB):c.219C>T (p.Leu73=)

Gene: CSTB (cystatin B; minus strand). Cytogenetic location: 21q22.3.
Variant type: single nucleotide variant.
Coding change: c.219C>T on transcript NM_000100.4 (MANE Select); coding-DNA position 219, C replaced by T.
Protein change: p.Leu73=; no amino-acid change (leucine 73 retained).
Molecular consequence: synonymous variant.
Genome position (GRCh38, 1-based): chr21:43,774,280, G>A on the plus strand (C>T on the coding strand, the complement: CSTB is on the minus strand). VCF-style: chr21-43774280-G-A. GRCh37 (hg19) VCF-style: chr21-45194161-G-A.
Identifiers: ClinVar variation 3061122 (VCV003061122.3), dbSNP rs2517170762, ClinGen allele CA512474383.
Genomic context (GRCh38, chr21:43,774,280, plus strand): 5'-ATCATGCTTGGCTTTGTTGGTCTGGTAGTTAGATAAGGTCAAGGGCTTGTTTTCATGAGG[G>A]AGAGATTGGAACACTCGCAGGTGTACGAAGTCCTCGTCGCCGACGTGCACCTGGGAAGAG-3'
Protein context (NP_000091.1, residues 63-83): DFVHLRVFQS[Leu73=]PHENKPLTLS

ClinVar aggregate classification (germline): Likely benign. Review status: criteria provided, single submitter (1 of 4 stars). 2 submissions from 2 submitters: Likely benign (1). 1 of the submissions does not count toward it. Last evaluated 2025-04-29.

Conditions:
CSTB-related disorder. Also called: CSTB-related condition.
Progressive myoclonic epilepsy. Also called: Familial progressive myoclonic epilepsy; Myoclonus epilepsy; Progressive myoclonus epilepsy; Myoclonic Epilepsies, Progressive. Identifiers: Orphanet 308, Orphanet 98261, MedGen C0751778, MONDO:0020074.

Submissions (2):

Labcorp Genetics (formerly Invitae), Labcorp
Classification: Likely benign for Progressive myoclonic epilepsy. Last evaluated: 2025-04-29. Review status: criteria provided, single submitter. Criteria: Invitae Variant Classification Sherloc (09022015). Collection method: clinical testing. Allele origin: germline.

PreventionGenetics, part of Exact Sciences
Classification: Likely benign for CSTB-related condition. Last evaluated: 2024-02-20. Review status: no assertion criteria provided. Collection method: clinical testing. Allele origin: germline. Not counted in ClinVar's aggregate classification.
Comment: This variant is classified as likely benign based on ACMG/AMP sequence variant interpretation guidelines (Richards et al. 2015 PMID: 25741868, with internal and published modifications).